The following is an entry in ClinVar:

ClinVar aggregate classification (germline): Uncertain significance (1 of 4 stars; one submission).

Conditions:
Inborn genetic diseases. Identifiers: MedGen C0950123, MeSH D030342.

Allele frequency attached by ClinVar (database versions not stated): gnomAD exomes 0.00001.
gnomAD v4.1: 5 of 1,613,922 alleles (0.00031%); highest among the groups gnomAD compares: Non-Finnish European, 0.00042%; no homozygotes.

Submission:

Ambry Genetics
Classification: Uncertain significance for Inborn genetic diseases. Last evaluated: 2021-05-25. Review status: criteria provided, single submitter. Criteria: Ambry Variant Classification Scheme 2023. Collection method: clinical testing. Allele origin: germline.
Comment: The p.W509S variant (also known as c.1526G>C), located in coding exon 19 of the LRSAM1 gene, results from a G to C substitution at nucleotide position 1526. The tryptophan at codon 509 is replaced by serine, an amino acid with highly dissimilar properties. This amino acid position is not well conserved in available vertebrate species. In addition, the in silico prediction for this alteration is inconclusive. Since supporting evidence is limited at this time, the clinical significance of this alteration remains unclear.

NM_001005373.4(LRSAM1):c.1526G>C (p.Trp509Ser)

Gene: LRSAM1 (leucine rich repeat and sterile alpha motif containing 1; plus strand). Cytogenetic location: 9q33.3.
Variant type: single nucleotide variant.
Coding change: c.1526G>C on transcript NM_001005373.4 (MANE Select); coding-DNA position 1526, G replaced by C.
Protein change: p.Trp509Ser; replaces tryptophan 509 with serine.
Molecular consequence: missense variant. On other transcripts: non-coding transcript variant (2).
Genome position (GRCh38, 1-based): chr9:127,492,824, G>C. VCF-style: chr9-127492824-G-C. GRCh37 (hg19) VCF-style: chr9-130255103-G-C.
Other names: c.1526G>C, p.Trp509Ser (NM_001005374.4, NM_001384142.1, NM_001384143.1 and 1 more transcripts); c.1445G>C, p.Trp482Ser (NM_001190723.3); c.737G>C, p.Trp246Ser (NM_001384144.1); short protein forms W246S, W482S, W509S.
Identifiers: ClinVar variation 1774531 (VCV001774531.2), dbSNP rs2539433431, ClinGen allele CA374934335.